The following is an entry in ClinVar:

ClinVar aggregate classification (germline): Likely benign. Review status: criteria provided, multiple submitters, no conflicts (2 of 4 stars). 4 submissions from 4 submitters: Likely benign (4). Last evaluated 2025-09-09.

Allele frequency attached by ClinVar (database versions not stated): gnomAD exomes below 0.00001; ExAC 0.00001.

Submissions (4):

Labcorp Genetics (formerly Invitae), Labcorp
Classification: Likely benign. Last evaluated: 2025-09-09. Review status: criteria provided, single submitter. Criteria: Invitae Variant Classification Sherloc (09022015). Collection method: clinical testing. Allele origin: germline.

Ambry Genetics
Classification: Likely benign. Last evaluated: 2022-05-02. Review status: criteria provided, single submitter. Criteria: Ambry Variant Classification Scheme 2023. Collection method: clinical testing. Allele origin: germline.

Blueprint Genetics
Classification: Likely benign. Last evaluated: 2020-12-09. Review status: criteria provided, single submitter. Criteria: ACMG Guidelines, 2015. Collection method: clinical testing. Allele origin: germline.

GeneDx
Classification: Likely benign. Last evaluated: 2018-05-09. Review status: criteria provided, single submitter. Criteria: GeneDx Variant Classification (06012015). Collection method: clinical testing. Allele origin: germline. Affected: yes.
Comment: This variant is considered likely benign or benign based on one or more of the following criteria: it is a conservative change, it occurs at a poorly conserved position in the protein, it is predicted to be benign by multiple in silico algorithms, and/or has population frequency not consistent with disease.

NM_002907.4(RECQL):c.393T>C (p.Asp131=)

Gene: RECQL (RecQ like helicase; minus strand). Cytogenetic location: 12p12.1.
Variant type: single nucleotide variant.
Coding change: c.393T>C on transcript NM_002907.4 (MANE Select); coding-DNA position 393, T replaced by C.
Protein change: p.Asp131=; no amino-acid change (aspartic acid 131 retained).
Molecular consequence: synonymous variant.
Genome position (GRCh38, 1-based): chr12:21,490,200, A>G on the plus strand (T>C on the coding strand, the complement: RECQL is on the minus strand). VCF-style: chr12-21490200-A-G. GRCh37 (hg19) VCF-style: chr12-21643134-A-G.
Other names: c.393T>C, p.Asp131= (NM_032941.3).
Identifiers: ClinVar variation 668390 (VCV000668390.13), dbSNP rs781458665, ClinGen allele CA6479118.